The following is an entry in ClinVar:

ClinVar aggregate classification (germline): Pathogenic. Review status: criteria provided, multiple submitters, no conflicts (2 of 4 stars). 5 submissions from 5 submitters: Pathogenic (3). 2 of the submissions do not count toward it. Last evaluated 2024-10-09.

Conditions:
Colobomatous microphthalmia-rhizomelic dysplasia syndrome (MCSKS). Also called: Microphthalmia/coloboma and skeletal dysplasia syndrome. Identifiers: Orphanet 424099, MedGen C4014540, MONDO:0014380, OMIM 615877.

Submissions (5):

Victorian Clinical Genetics Services, Murdoch Childrens Research Institute
Classification: Pathogenic for Colobomatous microphthalmia-rhizomelic dysplasia syndrome. Last evaluated: 2024-10-09. Review status: criteria provided, single submitter. Criteria: ACMG Guidelines, 2015. Collection method: clinical testing. Allele origin: germline. Affected: yes.
Comment: Based on the classification scheme VCGS_Germline_v1.3.4, this variant is classified as Pathogenic. Following criteria are met: 0102 - Loss of function is a known mechanism of disease in this gene and is associated with microphthalmia/coloboma and skeletal dysplasia syndrome (MIM#615877). (I) 0107 - This gene is associated with autosomal dominant disease. (I) 0200 - Variant is predicted to result in a missense amino acid change from arginine to glycine. (I) 0251 - This variant is heterozygous. (I) 0301 - Variant is absent from gnomAD (both v2 and v3). (SP) 0501 - Missense variant consistently predicted to be damaging by multiple in silico tools or highly conserved with a major amino acid change. (SP) 0604 - Variant is not located in an established domain, motif, hotspot or informative constraint region. (I) 0703 - Other missense variants comparable to the one identified in this case have moderate previous evidence for pathogenicity. A change to a histidine has been reported in a family with colobomatous microphthalmia, and the change to a cysteine has been reported in two de novo individuals with bilateral anophthalmia, intellectual disability and rhizomelic skeletal dysplasia (ClinVar, PMID: 24906020). (SP) 0801 - This variant has strong previous evidence of pathogenicity in unrelated individuals. This variant has been classified as pathogenic in ClinVar and has also been reported in a family with dominant coloboma with microcornea, cataracts and skeletal dysplasia (PMID: 25719200). (SP) 0903 - This variant has limited evidence for segregation with disease. This variant has been shown to segregate with disease in five affected family members with dominant coloboma with microcornea, cataracts and skeletal dysplasia (PMID: 25719200). (SP) Legend: (SP) - Supporting pathogenic, (I) - Information, (SB) - Supporting benign

Daryl Scott Lab, Baylor College of Medicine
Classification: Pathogenic for Colobomatous microphthalmia-rhizomelic dysplasia syndrome. Last evaluated: 2023-11-10. Review status: criteria provided, single submitter. Criteria: ACMG Guidelines, 2015. Collection method: clinical testing. Allele origin: maternal. Affected: yes. Observed: 2 heterozygotes.

CENTOGENE GmbH and LLC - Guiding Precision Medicine
Classification: Pathogenic for Colobomatous microphthalmia-rhizomelic dysplasia syndrome. Review status: criteria provided, single submitter. Criteria: ACMG Guidelines, 2015. Collection method: clinical testing. Allele origin: de novo. Affected: yes.

Biochemical Molecular Genetic Laboratory, King Abdulaziz Medical City
Classification: Pathogenic for Colobomatous microphthalmia-rhizomelic dysplasia syndrome. Last evaluated: 2019-09-26. Review status: no assertion criteria provided. Collection method: clinical testing. Allele origin: germline. Affected: yes. Not counted in ClinVar's aggregate classification.

OMIM
Classification: Pathogenic for MICROPHTHALMIA/COLOBOMA AND SKELETAL DYSPLASIA SYNDROME. Last evaluated: 2015-01-01. Review status: no assertion criteria provided. Collection method: literature only. Allele origin: germline. Not counted in ClinVar's aggregate classification.

Literature cited by the submitters: PubMed 24906020 (cited by Victorian Clinical Genetics Services, Murdoch Childrens Research Institute); PubMed 25719200 (cited by Victorian Clinical Genetics Services, Murdoch Childrens Research Institute and OMIM); PubMed 32860008 (cited by CENTOGENE GmbH and LLC - Guiding Precision Medicine).

NM_006439.5(MAB21L2):c.151C>G (p.Arg51Gly)

Genes: MAB21L2 (mab-21 like 2; plus strand), LRBA (LPS responsive beige-like anchor protein; minus strand). Cytogenetic location: 4q31.3.
Variant type: single nucleotide variant.
Coding change: c.151C>G on transcript NM_006439.5 (MANE Select); coding-DNA position 151, C replaced by G.
Protein change: p.Arg51Gly; replaces arginine 51 with glycine.
Molecular consequence: missense variant. On other transcripts: intron variant (6).
Genome position (GRCh38, 1-based): chr4:150,583,180, C>G. VCF-style: chr4-150583180-C-G. GRCh37 (hg19) VCF-style: chr4-151504332-C-G.
Other names: c.6330+4868G>C (NM_001367550.1, NM_001199282.3, NM_001364905.1 and 1 more transcripts); c.6363+4868G>C (NM_006726.5, NM_001440430.1); short protein forms R51G.
Identifiers: ClinVar variation 427785 (VCV000427785.5), dbSNP rs587777512, ClinGen allele CA358602408.